The following is an entry in ClinVar:

ClinVar aggregate classification (germline): Conflicting classifications of pathogenicity. Review status: criteria provided, conflicting classifications (1 of 4 stars). 5 submissions from 5 submitters: Pathogenic (1); Likely pathogenic (1); Uncertain significance (3). Last evaluated 2026-05-28.

Conditions:
CEP78-related disorder. Also called: CEP78-related condition.
Cone-rod dystrophy and hearing loss 1 (CRDHL1). Identifiers: MedGen C5193018, MONDO:0020778, OMIM 617236.

Allele frequency attached by ClinVar (database versions not stated): gnomAD 0.00012; TOPMed 0.00013; ESP Exome Variant Server 0.00025.
gnomAD v4.1: 329 of 1,577,802 alleles (0.021%); highest among the groups gnomAD compares: Non-Finnish European, 0.026%; no homozygotes.

Submissions (5):

PreventionGenetics, part of Exact Sciences
Classification: Uncertain significance for CEP78-related condition. Last evaluated: 2026-05-28. Review status: criteria provided, single submitter. Criteria: ACMG Guidelines, 2015. Collection method: clinical testing. Allele origin: germline.
Comment: The CEP78 c.491G>A variant is predicted to result in the amino acid substitution p.Gly164Asp. To our knowledge, this variant has not been reported in the literature. This variant has been detected in trans with a likely pathogenic CEP78 variant (PreventionGenetics internal data). This variant is present in 0.029% of alleles in individuals of European (Non-Finnish) descent in gnomAD. Although we suspect that this variant may be pathogenic, at this time, the clinical significance of this variant is uncertain due to the absence of conclusive functional and genetic evidence.

Labcorp Genetics (formerly Invitae), Labcorp
Classification: Pathogenic. Last evaluated: 2025-10-07. Review status: criteria provided, single submitter. Criteria: Invitae Variant Classification Sherloc (09022015). Collection method: clinical testing. Allele origin: germline.
Comment: This sequence change replaces glycine, which is neutral and non-polar, with aspartic acid, which is acidic and polar, at codon 164 of the CEP78 protein (p.Gly164Asp). This variant is present in population databases (rs200752089, gnomAD 0.03%). This missense change has been observed in individual(s) with CEP78-related conditions (internal data). In at least one individual the data is consistent with being in trans (on the opposite chromosome) from a pathogenic variant. ClinVar contains an entry for this variant (Variation ID: 667216). Invitae Evidence Modeling of protein sequence and biophysical properties (such as structural, functional, and spatial information, amino acid conservation, physicochemical variation, residue mobility, and thermodynamic stability) indicates that this missense variant is expected to disrupt CEP78 protein function with a positive predictive value of 80%. For these reasons, this variant has been classified as Pathogenic.

First Genomix Gene Laboratory, Genetic Diagnostics Department
Classification: Likely pathogenic for Cone-rod dystrophy and hearing loss 1. Last evaluated: 2025-01-20. Review status: criteria provided, single submitter. Criteria: ACMG Guidelines, 2015. Collection method: clinical testing. Allele origin: germline. Inheritance: Autosomal recessive inheritance. Affected: no. Observed: 1 variant allele.

Blueprint Genetics
Classification: Uncertain significance. Last evaluated: 2024-10-04. Review status: criteria provided, single submitter. Criteria: ACMG Guidelines, 2015. Collection method: clinical testing. Allele origin: germline.

Laboratory for Molecular Medicine, Mass General Brigham Personalized Medicine
Classification: Uncertain significance. Last evaluated: 2018-09-13. Review status: criteria provided, single submitter. Criteria: LMM Criteria. Collection method: clinical testing. Allele origin: germline. Observed: 1 variant allele.
Comment: The p.Gly164Asp variant in CEP78 has not been previously reported in individuals with hearing loss or cone-rod dystrophy, but has been identified in 0.03% (27/9 4664) European chromosomes by the Genome Aggregation Database (gnomAD). Computational prediction tools and conservation analys is suggest that the p.Gly164Asp variant may impact the protein, though this info rmation is not predictive enough to determine pathogenicity. In summary, the cli nical significance of the p.Gly164Asp variant is uncertain. ACMG/AMP Criteria ap plied: PP3, PM2_Supporting.

NM_001330691.3(CEP78):c.491G>A (p.Gly164Asp)

Gene: CEP78 (centrosomal protein 78; plus strand). Cytogenetic location: 9q21.2.
Variant type: single nucleotide variant.
Coding change: c.491G>A on transcript NM_001330691.3 (MANE Select); coding-DNA position 491, G replaced by A.
Protein change: p.Gly164Asp; replaces glycine 164 with aspartic acid.
Molecular consequence: missense variant.
Genome position (GRCh38, 1-based): chr9:78,240,356, G>A. VCF-style: chr9-78240356-G-A. GRCh37 (hg19) VCF-style: chr9-80855272-G-A.
Other names: c.491G>A, p.Gly164Asp (NM_001098802.3, NM_001330693.3, NM_001330694.2 and 4 more transcripts); short protein forms G164D.
Identifiers: ClinVar variation 667216 (VCV000667216.14), dbSNP rs200752089, ClinGen allele CA5094928.